The following is an entry in ClinVar:

NM_001211.6(BUB1B):c.19G>A (p.Glu7Lys)

Genes: BUB1B (BUB1 mitotic checkpoint serine/threonine kinase B; plus strand), LOC130056830 (ATAC-STARR-seq lymphoblastoid active region 9236; plus strand). Cytogenetic location: 15q15.1.
Variant type: single nucleotide variant.
Coding change: c.19G>A on transcript NM_001211.6 (MANE Select); coding-DNA position 19, G replaced by A.
Protein change: p.Glu7Lys; replaces glutamic acid 7 with lysine.
Molecular consequence: missense variant.
Genome position (GRCh38, 1-based): chr15:40,161,239, G>A. VCF-style: chr15-40161239-G-A. GRCh37 (hg19) VCF-style: chr15-40453440-G-A.
Other names: short protein forms E7K.
Identifiers: ClinVar variation 533915 (VCV000533915.11), dbSNP rs1218056057, ClinGen allele CA391676478.

ClinVar aggregate classification (germline): Uncertain significance. Review status: criteria provided, multiple submitters, no conflicts (2 of 4 stars). 2 submissions from 2 submitters: Uncertain significance (2). Last evaluated 2024-04-07.

Conditions:
Inborn genetic diseases. Identifiers: MedGen C0950123, MeSH D030342.
Mosaic variegated aneuploidy syndrome 1 (MVA1). Also called: Warburton-Anyane-Yeboa syndrome. Identifiers: Orphanet 1052, MedGen C1850343, MONDO:0009759, OMIM 257300.

Allele frequency attached by ClinVar (database versions not stated): gnomAD exomes below 0.00001 and 0.00001; TOPMed 0.00001.

Submissions (2):

Ambry Genetics
Classification: Uncertain significance for Inborn genetic diseases. Last evaluated: 2024-04-07. Review status: criteria provided, single submitter. Criteria: Ambry Variant Classification Scheme 2023. Collection method: clinical testing. Allele origin: germline.
Comment: The p.E7K variant (also known as c.19G>A), located in coding exon 1 of the BUB1B gene, results from a G to A substitution at nucleotide position 19. The glutamic acid at codon 7 is replaced by lysine, an amino acid with similar properties. This amino acid position is conserved. In addition, this alteration is predicted to be tolerated by in silico analysis. Based on the available evidence, the clinical significance of this variant remains unclear.

Labcorp Genetics (formerly Invitae), Labcorp
Classification: Uncertain significance for Mosaic variegated aneuploidy syndrome 1. Last evaluated: 2023-08-24. Review status: criteria provided, single submitter. Criteria: Invitae Variant Classification Sherloc (09022015). Collection method: clinical testing. Allele origin: germline.
Comment: In summary, the available evidence is currently insufficient to determine the role of this variant in disease. Therefore, it has been classified as a Variant of Uncertain Significance. An algorithm developed to predict the effect of missense changes on protein structure and function (PolyPhen-2) suggests that this variant is likely to be tolerated. ClinVar contains an entry for this variant (Variation ID: 533915). This variant has not been reported in the literature in individuals affected with BUB1B-related conditions. This variant is present in population databases (no rsID available, gnomAD 0.003%). This sequence change replaces glutamic acid, which is acidic and polar, with lysine, which is basic and polar, at codon 7 of the BUB1B protein (p.Glu7Lys).